The following is an entry in ClinVar:

ClinVar aggregate classification (germline): Benign/Likely benign. Review status: criteria provided, multiple submitters, no conflicts (2 of 4 stars). 4 submissions from 4 submitters: Benign (1); Likely benign (3). Last evaluated 2026-01-08.

Conditions:
Familial cancer of breast. Also called: Hereditary breast cancer; hereditary breast carcinoma; BREAST CANCER, FAMILIAL. Identifiers: Orphanet 227535, MedGen C0346153, MONDO:0016419, OMIM 114480. Disease mechanism: loss of function.
Fanconi anemia complementation group J. Also called: BRIP1-Related Fanconi Anemia. Identifiers: Orphanet 84, MedGen C1836860, MONDO:0012187, OMIM 609054.
Hereditary cancer-predisposing syndrome. Also called: Hereditary Cancer Syndrome; Neoplastic Syndromes, Hereditary; Hereditary neoplastic syndrome; Tumor predisposition. Identifiers: Orphanet 140162, MedGen C0027672, MeSH D009386, MONDO:0015356.

Submissions (4):

Labcorp Genetics (formerly Invitae), Labcorp
Classification: Likely benign for Familial cancer of breast; Fanconi anemia complementation group J. Last evaluated: 2026-01-08. Review status: criteria provided, single submitter. Criteria: Invitae Variant Classification Sherloc (09022015). Collection method: clinical testing. Allele origin: germline.

Myriad Genetics, Inc.
Classification: Benign for Familial cancer of breast. Last evaluated: 2024-09-05. Review status: criteria provided, single submitter. Criteria: Myriad Autosomal Dominant, Autosomal Recessive and X-Linked Classification Criteria (2023). Collection method: clinical testing. Allele origin: unknown.
Comment: This variant is considered benign. This variant is a silent/synonymous amino acid change and it is not expected to impact splicing.

Color Diagnostics, LLC DBA Color Health
Classification: Likely benign for Hereditary cancer-predisposing syndrome. Last evaluated: 2019-01-23. Review status: criteria provided, single submitter. Criteria: ACMG Guidelines, 2015. Collection method: clinical testing. Allele origin: germline.

Ambry Genetics
Classification: Likely benign for Hereditary cancer-predisposing syndrome. Last evaluated: 2015-11-14. Review status: criteria provided, single submitter. Criteria: Ambry Variant Classification Scheme 2023. Collection method: clinical testing. Allele origin: germline.

NM_032043.3(BRIP1):c.2670A>G (p.Lys890=)

Gene: BRIP1 (BRCA1 interacting DNA helicase 1; minus strand). Cytogenetic location: 17q23.2.
Variant type: single nucleotide variant.
Coding change: c.2670A>G on transcript NM_032043.3 (MANE Select); coding-DNA position 2670, A replaced by G.
Protein change: p.Lys890=; no amino-acid change (lysine 890 retained).
Molecular consequence: synonymous variant.
Genome position (GRCh38, 1-based): chr17:61,686,071, T>C on the plus strand (A>G on the coding strand, the complement: BRIP1 is on the minus strand). VCF-style: chr17-61686071-T-C. GRCh37 (hg19) VCF-style: chr17-59763432-T-C.
Identifiers: ClinVar variation 821654 (VCV000821654.17), dbSNP rs1603276885, ClinGen allele CA501335852.